The following is an entry in ClinVar:

NC_000006.11:g.(?_109787054)_(109803229_?)del

Gene: ZBTB24 (zinc finger and BTB domain containing 24; minus strand). Cytogenetic location: 6q21.
Variant type: Deletion.
Identifiers: ClinVar variation 3246027 (VCV003246027.1).

ClinVar aggregate classification (germline): Pathogenic (1 of 4 stars; one submission).

Conditions:
Immunodeficiency-centromeric instability-facial anomalies syndrome 2 (ICF2). Identifiers: Orphanet 2268, MedGen C3279748, MONDO:0013553, OMIM 614069.

Submission:

Labcorp Genetics (formerly Invitae), Labcorp
Classification: Pathogenic for Immunodeficiency-centromeric instability-facial anomalies syndrome 2. Last evaluated: 2023-03-22. Review status: criteria provided, single submitter. Criteria: Invitae Variant Classification Sherloc (09022015). Collection method: clinical testing. Allele origin: unknown.
Comment: For these reasons, this variant has been classified as Pathogenic. This variant has not been reported in the literature in individuals affected with ZBTB24-related conditions. A gross deletion of the genomic region encompassing the full coding sequence of the ZBTB24 gene has been identified. Loss-of-function variants in ZBTB24 are known to be pathogenic (PMID: 21596365). The boundaries of this event are unknown as they extend beyond the assayed region for this gene and therefore may encompass additional genes.

Literature cited by the submitters: PubMed 21596365.